The following is an entry in ClinVar:

ClinVar aggregate classification (germline): Uncertain significance (1 of 4 stars; one submission).

Submission:

Labcorp Genetics (formerly Invitae), Labcorp
Classification: Uncertain significance. Last evaluated: 2022-06-13. Review status: criteria provided, single submitter. Criteria: Invitae Variant Classification Sherloc (09022015). Collection method: clinical testing. Allele origin: germline.
Comment: In summary, the available evidence is currently insufficient to determine the role of this variant in disease. Therefore, it has been classified as a Variant of Uncertain Significance. Algorithms developed to predict the effect of missense changes on protein structure and function (SIFT, PolyPhen-2, Align-GVGD) all suggest that this variant is likely to be disruptive. This variant has not been reported in the literature in individuals affected with MPDZ-related conditions. This variant is not present in population databases (gnomAD no frequency). This sequence change replaces asparagine, which is neutral and polar, with lysine, which is basic and polar, at codon 1140 of the MPDZ protein (p.Asn1140Lys).

NM_001378778.1(MPDZ):c.3420C>G (p.Asn1140Lys)

Gene: MPDZ (multiple PDZ domain crumbs cell polarity complex component; minus strand). Cytogenetic location: 9p23.
Variant type: single nucleotide variant.
Coding change: c.3420C>G on transcript NM_001378778.1 (MANE Select); coding-DNA position 3420, C replaced by G.
Protein change: p.Asn1140Lys; replaces asparagine 1140 with lysine.
Molecular consequence: missense variant. On other transcripts: intron variant (1).
Genome position (GRCh38, 1-based): chr9:13,158,050, G>C on the plus strand (C>G on the coding strand, the complement: MPDZ is on the minus strand). VCF-style: chr9-13158050-G-C. GRCh37 (hg19) VCF-style: chr9-13158049-G-C.
Other names: c.3420C>G, p.Asn1140Lys (NM_001261406.2, NM_001261407.2, NM_001330637.2 and 13 more transcripts); c.3255-7362C>G (NM_001375427.1); short protein forms N1140K.
Identifiers: ClinVar variation 1519806 (VCV001519806.8), dbSNP rs2133383953, ClinGen allele CA372951340.
Genomic context (GRCh38, chr9:13,158,050, plus strand): 5'-GTGGACAGAAGACAGAAATAGTCCTTACCGCCTGGGCTGATTCCAATTGCTATATGCTGT[G>C]TTTTGAAGTTCGCTTTCTTCACCCTCTCCCTCTTCTCGCTCTGGTAATTCTGGAATGTCT-3'
Protein context (NP_001365707.1, residues 1130-1150): EGEGEESELQ[Asn1140Lys]TAYSNWNQPR